The following is an entry in ClinVar:

ClinVar aggregate classification (germline): Uncertain significance (1 of 4 stars; one submission).

Conditions:
Hyper-IgM syndrome type 5 (HIGM5). Also called: Hyper-IgM Immunodeficiency Syndrome, Type 5. Identifiers: Orphanet 101092, MedGen C1720958, MONDO:0011971, OMIM 608106.

gnomAD v4.1: 5 of 1,610,320 alleles (0.00031%); highest among the groups gnomAD compares: South Asian, 0.0044%; no homozygotes.

Submission:

Labcorp Genetics (formerly Invitae), Labcorp
Classification: Uncertain significance for Hyper-IgM syndrome type 5. Last evaluated: 2020-07-15. Review status: criteria provided, single submitter. Criteria: Invitae Variant Classification Sherloc (09022015). Collection method: clinical testing. Allele origin: germline.
Comment: In summary, the available evidence is currently insufficient to determine the role of this variant in disease. Therefore, it has been classified as a Variant of Uncertain Significance. Algorithms developed to predict the effect of missense changes on protein structure and function output the following: SIFT: "Tolerated"; PolyPhen-2: "Benign"; Align-GVGD: "Class C0". The arginine amino acid residue is found in multiple mammalian species, suggesting that this missense change does not adversely affect protein function. These predictions have not been confirmed by published functional studies and their clinical significance is uncertain. This variant has not been reported in the literature in individuals with UNG-related conditions. This variant is not present in population databases (ExAC no frequency). This sequence change replaces proline with arginine at codon 52 of the UNG protein (p.Pro52Arg). The proline residue is weakly conserved and there is a moderate physicochemical difference between proline and arginine.

NM_080911.3(UNG):c.155C>G (p.Pro52Arg)

Gene: UNG (uracil DNA glycosylase; plus strand). Cytogenetic location: 12q24.11.
Variant type: single nucleotide variant.
Coding change: c.155C>G on transcript NM_080911.3 (MANE Select); coding-DNA position 155, C replaced by G.
Protein change: p.Pro52Arg; replaces proline 52 with arginine.
Molecular consequence: missense variant.
Genome position (GRCh38, 1-based): chr12:109,098,454, C>G. VCF-style: chr12-109098454-C-G. GRCh37 (hg19) VCF-style: chr12-109536259-C-G.
Other names: c.128C>G, p.Pro43Arg (NM_003362.4); short protein forms P43R, P52R.
Identifiers: ClinVar variation 1055136 (VCV001055136.9), dbSNP rs771026474, ClinGen allele CA386469489.